The following is an entry in ClinVar:

ClinVar aggregate classification (germline): Uncertain significance (1 of 4 stars; one submission).

Conditions:
Brachyolmia-amelogenesis imperfecta syndrome. Also called: PLATYSPONDYLY WITH AMELOGENESIS IMPERFECTA; Tooth agenesis, selective, 6; Dental anomalies and short stature. Identifiers: Orphanet 2899, MedGen C1832594, MONDO:0011018, OMIM 601216. Disease mechanism: loss of function.

Submission:

Labcorp Genetics (formerly Invitae), Labcorp
Classification: Uncertain significance for Brachyolmia-amelogenesis imperfecta syndrome. Last evaluated: 2022-07-05. Review status: criteria provided, single submitter. Criteria: Invitae Variant Classification Sherloc (09022015). Collection method: clinical testing. Allele origin: germline.
Comment: Algorithms developed to predict the effect of missense changes on protein structure and function are either unavailable or do not agree on the potential impact of this missense change (SIFT: "Not Available"; PolyPhen-2: "Probably Damaging"; Align-GVGD: "Not Available"). In summary, the available evidence is currently insufficient to determine the role of this variant in disease. Therefore, it has been classified as a Variant of Uncertain Significance. ClinVar contains an entry for this variant (Variation ID: 1464210). This variant has not been reported in the literature in individuals affected with LTBP3-related conditions. Information on the frequency of this variant in the gnomAD database is not available, as this variant may be reported differently in the database. This sequence change replaces threonine, which is neutral and polar, with leucine, which is neutral and non-polar, at codon 298 of the LTBP3 protein (p.Thr298Leu).

NM_001130144.3(LTBP3):c.892_893delinsCT (p.Thr298Leu)

Gene: LTBP3 (latent transforming growth factor beta binding protein 3; minus strand). Cytogenetic location: 11q13.1.
Variant type: Indel.
Coding change: c.892_893delinsCT on transcript NM_001130144.3 (MANE Select); coding-DNA positions 892 to 893, AC replaced by CT.
Protein change: p.Thr298Leu; replaces threonine 298 with leucine.
Molecular consequence: missense variant.
Genome position (GRCh38, 1-based): chr11:65,553,502-65,553,503, GT replaced by AG on the plus strand (AC replaced by CT on the coding strand, the reverse complement: LTBP3 is on the minus strand). VCF-style: chr11-65553502-GT-AG. GRCh37 (hg19) VCF-style: chr11-65320973-GT-AG.
Other names: c.541_542delinsCT, p.Thr181Leu (NM_001164266.1); c.892_893delinsCT, p.Thr298Leu (NM_021070.4); short protein forms T181L, T298L.
Identifiers: ClinVar variation 1464210 (VCV001464210.8), dbSNP rs2135157538, ClinGen allele CA2573147480.